The following is an entry in ClinVar:

NM_001048174.2(MUTYH):c.867C>G (p.Leu289=)

Gene: MUTYH (mutY DNA glycosylase; minus strand). Cytogenetic location: 1p34.1.
Variant type: single nucleotide variant.
Coding change: c.867C>G on transcript NM_001048174.2 (MANE Select); coding-DNA position 867, C replaced by G.
Protein change: p.Leu289=; no amino-acid change (leucine 289 retained).
Molecular consequence: synonymous variant. On other transcripts: non-coding transcript variant (2).
Genome position (GRCh38, 1-based): chr1:45,332,069, G>C on the plus strand (C>G on the coding strand, the complement: MUTYH is on the minus strand). VCF-style: chr1-45332069-G-C. GRCh37 (hg19) VCF-style: chr1-45797741-G-C.
Other names: c.867C>G, p.Leu289= (NM_001048171.2, NM_001048173.2, NM_001293195.2); c.870C>G, p.Leu290= (NM_001048172.2); c.951C>G, p.Leu317= (NM_001128425.2); c.912C>G, p.Leu304= (NM_001293190.2); c.900C>G, p.Leu300= (NM_001293191.2); c.591C>G, p.Leu197= (NM_001293192.2, NM_001293196.2); c.522C>G, p.Leu174= (NM_001350650.2, NM_001350651.2); c.942C>G, p.Leu314= (NM_012222.3).
Identifiers: ClinVar variation 508509 (VCV000508509.22), dbSNP rs11211096, ClinGen allele CA059765.

ClinVar aggregate classification (germline): Likely benign. Review status: criteria provided, multiple submitters, no conflicts (2 of 4 stars). 7 submissions from 7 submitters: Likely benign (7). Last evaluated 2025-08-07.

Conditions:
Hereditary cancer-predisposing syndrome. Also called: Tumor predisposition; Hereditary neoplastic syndrome; Neoplastic Syndromes, Hereditary; Hereditary Cancer Syndrome. Identifiers: Orphanet 140162, MedGen C0027672, MeSH D009386, MONDO:0015356.
Familial adenomatous polyposis 2. Also called: MUTYH Polyposis; COLORECTAL ADENOMATOUS POLYPOSIS, AUTOSOMAL RECESSIVE; ADENOMAS, MULTIPLE COLORECTAL, AUTOSOMAL RECESSIVE; MUTYH-associated polyposis; MUTYH-related attenuated familial adenomatous polyposis; Adenomas, multiple colorectal. Identifiers: Orphanet 220460, Orphanet 247798, MedGen C3272841, MONDO:0012041, OMIM 608456.

Allele frequency attached by ClinVar (database versions not stated): gnomAD 0.00001; gnomAD exomes 0.00001 and below 0.00001; TOPMed 0.00002; ExAC 0.00001.
gnomAD v4.1: 2 of 1,614,104 alleles (0.00012%); highest among the groups gnomAD compares: African/African-American, 0.0013%; no homozygotes.

Submissions (7):

Labcorp Genetics (formerly Invitae), Labcorp
Classification: Likely benign for Familial adenomatous polyposis 2. Last evaluated: 2025-08-07. Review status: criteria provided, single submitter. Criteria: Invitae Variant Classification Sherloc (09022015). Collection method: clinical testing. Allele origin: germline.

Quest Diagnostics Nichols Institute San Juan Capistrano
Classification: Likely benign. Last evaluated: 2025-04-15. Review status: criteria provided, single submitter. Criteria: Quest Diagnostics criteria. Collection method: clinical testing. Allele origin: unknown.

All of Us Research Program, National Institutes of Health
Classification: Likely benign for Familial adenomatous polyposis 2. Last evaluated: 2023-11-20. Review status: criteria provided, single submitter. Criteria: ACMG Guidelines, 2015. Collection method: clinical testing. Allele origin: germline. Inheritance: Autosomal recessive inheritance. Observed: 1 variant allele, 1 heterozygote.
Comment: This study involves interpretation of variants in research participants for the purpose of population health screening. Participant phenotype was not available at the time of variant classification. Additional details can be found in publication PMID: 35346344, PMCID: PMC8962531

Sema4
Classification: Likely benign for Hereditary cancer-predisposing syndrome. Last evaluated: 2021-11-15. Review status: criteria provided, single submitter. Criteria: Sema4 Curation Guidelines. Collection method: curation. Allele origin: germline.

Ambry Genetics
Classification: Likely benign for Hereditary cancer-predisposing syndrome. Last evaluated: 2019-03-07. Review status: criteria provided, single submitter. Criteria: Ambry Variant Classification Scheme 2023. Collection method: clinical testing. Allele origin: germline.

GeneDx
Classification: Likely benign. Last evaluated: 2018-07-11. Review status: criteria provided, single submitter. Criteria: GeneDx Variant Classification Process June 2021. Collection method: clinical testing. Allele origin: germline. Affected: yes.

Color Diagnostics, LLC DBA Color Health
Classification: Likely benign for Hereditary cancer-predisposing syndrome. Last evaluated: 2017-12-11. Review status: criteria provided, single submitter. Criteria: ACMG Guidelines, 2015. Collection method: clinical testing. Allele origin: germline.

Literature cited by the submitters: PubMed 25026993 (cited by Quest Diagnostics Nichols Institute San Juan Capistrano).